The following is an entry in ClinVar:

ClinVar aggregate classification (germline): Uncertain significance (1 of 4 stars; one submission).

Conditions:
Familial hypocalciuric hypercalcemia (FHH). Also called: Familial benign hypercalcemia. Identifiers: Orphanet 405, MedGen C1809471, MONDO:0018458.
Autosomal dominant hypocalcemia 1 (HYPOC1). Also called: HYPOCALCEMIA, FAMILIAL. Identifiers: MedGen C3715128, MONDO:0011013, OMIM 601198.

Submission:

Labcorp Genetics (formerly Invitae), Labcorp
Classification: Uncertain significance for Familial hypocalciuric hypercalcemia; Autosomal dominant hypocalcemia 1. Last evaluated: 2022-08-08. Review status: criteria provided, single submitter. Criteria: Invitae Variant Classification Sherloc (09022015). Collection method: clinical testing. Allele origin: germline.
Comment: Algorithms developed to predict the effect of missense changes on protein structure and function are either unavailable or do not agree on the potential impact of this missense change (SIFT: "Deleterious"; PolyPhen-2: "Probably Damaging"; Align-GVGD: "Class C0"). This variant has not been reported in the literature in individuals affected with CASR-related conditions. This variant is not present in population databases (gnomAD no frequency). This sequence change replaces glutamic acid, which is acidic and polar, with lysine, which is basic and polar, at codon 837 of the CASR protein (p.Glu837Lys). Experimental studies have shown that this missense change affects CASR function (PMID: 15591042). In summary, the available evidence is currently insufficient to determine the role of this variant in disease. Therefore, it has been classified as a Variant of Uncertain Significance.

Literature cited by the submitters: PubMed 15591042.

NM_000388.4(CASR):c.2509G>A (p.Glu837Lys)

Gene: CASR (calcium sensing receptor; plus strand). Cytogenetic location: 3q21.1.
Variant type: single nucleotide variant.
Coding change: c.2509G>A on transcript NM_000388.4 (MANE Select); coding-DNA position 2509, G replaced by A.
Protein change: p.Glu837Lys; replaces glutamic acid 837 with lysine.
Molecular consequence: missense variant.
Genome position (GRCh38, 1-based): chr3:122,284,463, G>A. VCF-style: chr3-122284463-G-A. GRCh37 (hg19) VCF-style: chr3-122003310-G-A.
Other names: c.2539G>A, p.Glu847Lys (NM_001178065.2); short protein forms E837K, E847K.
Identifiers: ClinVar variation 2092460 (VCV002092460.4), dbSNP rs2473280440, ClinGen allele CA354160106.